The following is an entry in ClinVar:

ClinVar aggregate classification (germline): Uncertain significance. Review status: criteria provided, multiple submitters, no conflicts (2 of 4 stars). 2 submissions from 2 submitters: Uncertain significance (2). Last evaluated 2025-11-06.

Conditions:
Emery-Dreifuss muscular dystrophy 5, autosomal dominant (EDMD5). Also called: EMERY-DREIFUSS MUSCULAR DYSTROPHY 5. Identifiers: Orphanet 261, MedGen C2751805, MONDO:0013072, OMIM 612999.

Allele frequency attached by ClinVar (database versions not stated): gnomAD exomes 0.00001; ExAC 0.00002; gnomAD 0.00004; TOPMed 0.00004.
gnomAD v4.1: 22 of 1,614,058 alleles (0.0014%); highest among the groups gnomAD compares: Non-Finnish European, 0.0017%; no homozygotes.

Submissions (2):

Ambry Genetics
Classification: Uncertain significance. Last evaluated: 2025-11-06. Review status: criteria provided, single submitter. Criteria: Ambry Variant Classification Scheme 2023. Collection method: clinical testing. Allele origin: germline.

Labcorp Genetics (formerly Invitae), Labcorp
Classification: Uncertain significance for Emery-Dreifuss muscular dystrophy 5, autosomal dominant. Last evaluated: 2025-04-21. Review status: criteria provided, single submitter. Criteria: Invitae Variant Classification Sherloc (09022015). Collection method: clinical testing. Allele origin: germline.
Comment: This sequence change replaces glutamic acid, which is acidic and polar, with lysine, which is basic and polar, at codon 752 of the SYNE2 protein (p.Glu752Lys). This variant is present in population databases (rs770729466, gnomAD 0.003%). This variant has not been reported in the literature in individuals affected with SYNE2-related conditions. ClinVar contains an entry for this variant (Variation ID: 2361160). An algorithm developed to predict the effect of missense changes on protein structure and function (PolyPhen-2) suggests that this variant is likely to be disruptive. In summary, the available evidence is currently insufficient to determine the role of this variant in disease. Therefore, it has been classified as a Variant of Uncertain Significance.

NM_182914.3(SYNE2):c.2254G>A (p.Glu752Lys)

Gene: SYNE2 (spectrin repeat containing nuclear envelope protein 2; plus strand). Cytogenetic location: 14q23.2.
Variant type: single nucleotide variant.
Coding change: c.2254G>A on transcript NM_182914.3 (MANE Select); coding-DNA position 2254, G replaced by A.
Protein change: p.Glu752Lys; replaces glutamic acid 752 with lysine.
Molecular consequence: missense variant.
Genome position (GRCh38, 1-based): chr14:63,986,558, G>A. VCF-style: chr14-63986558-G-A. GRCh37 (hg19) VCF-style: chr14-64453276-G-A.
Other names: c.2254G>A, p.Glu752Lys (NM_015180.6); short protein forms E752K.
Identifiers: ClinVar variation 2361160 (VCV002361160.4), dbSNP rs770729466, ClinGen allele CA7219643.